The following is an entry in ClinVar:

NM_052947.4(ALPK2):c.5821G>C (p.Gly1941Arg)

Gene: ALPK2 (alpha kinase 2; minus strand). Cytogenetic location: 18q21.31.
Variant type: single nucleotide variant.
Coding change: c.5821G>C on transcript NM_052947.4 (MANE Select); coding-DNA position 5821, G replaced by C.
Protein change: p.Gly1941Arg; replaces glycine 1941 with arginine.
Molecular consequence: missense variant.
Genome position (GRCh38, 1-based): chr18:58,517,027, C>G on the plus strand (G>C on the coding strand, the complement: ALPK2 is on the minus strand). VCF-style: chr18-58517027-C-G. GRCh37 (hg19) VCF-style: chr18-56184259-C-G.
Other names: short protein forms G1941R.
Identifiers: ClinVar variation 3531756 (VCV003531756.1).

ClinVar aggregate classification (germline): Uncertain significance (1 of 4 stars; one submission).

Submission:

Ambry Genetics
Classification: Uncertain significance. Last evaluated: 2024-10-17. Review status: criteria provided, single submitter. Criteria: Ambry Variant Classification Scheme 2023. Collection method: clinical testing. Allele origin: germline.
Comment: The p.G1941R variant (also known as c.5821G>C), located in coding exon 8 of the ALPK2 gene, results from a G to C substitution at nucleotide position 5821. The glycine at codon 1941 is replaced by arginine, an amino acid with dissimilar properties. This amino acid position is conserved. In addition, the in silico prediction for this alteration is inconclusive. Based on the available evidence, the clinical significance of this variant remains unclear.